The following is an entry in ClinVar:

ClinVar aggregate classification (germline): Conflicting classifications of pathogenicity. Review status: criteria provided, conflicting classifications (1 of 4 stars). 2 submissions from 2 submitters: Uncertain significance (1); Likely benign (1). Last evaluated 2024-08-27.

Conditions:
Hypertrophic cardiomyopathy 14. Identifiers: MedGen C2750467, MONDO:0013197, OMIM 613251.
Cardiovascular phenotype. Identifiers: MedGen CN230736.

Allele frequency attached by ClinVar (database versions not stated): gnomAD exomes below 0.00001.
gnomAD v4.1: 4 of 1,613,966 alleles (0.00025%); highest among the groups gnomAD compares: East Asian, 0.0022%; no homozygotes.

Submissions (2):

Labcorp Genetics (formerly Invitae), Labcorp
Classification: Uncertain significance for Hypertrophic cardiomyopathy 14. Last evaluated: 2024-08-27. Review status: criteria provided, single submitter. Criteria: Invitae Variant Classification Sherloc (09022015). Collection method: clinical testing. Allele origin: germline.
Comment: This sequence change replaces threonine, which is neutral and polar, with alanine, which is neutral and non-polar, at codon 744 of the MYH6 protein (p.Thr744Ala). This variant is present in population databases (no rsID available, gnomAD 0.01%). This variant has not been reported in the literature in individuals affected with MYH6-related conditions. ClinVar contains an entry for this variant (Variation ID: 2567217). An algorithm developed to predict the effect of missense changes on protein structure and function outputs the following: PolyPhen-2: "Benign". The alanine amino acid residue is found in multiple mammalian species, which suggests that this missense change does not adversely affect protein function. In summary, the available evidence is currently insufficient to determine the role of this variant in disease. Therefore, it has been classified as a Variant of Uncertain Significance.

Ambry Genetics
Classification: Likely benign for Cardiovascular phenotype. Last evaluated: 2023-06-05. Review status: criteria provided, single submitter. Criteria: Ambry Variant Classification Scheme 2023. Collection method: clinical testing. Allele origin: germline.

NM_002471.4(MYH6):c.2230A>G (p.Thr744Ala)

Gene: MYH6 (myosin heavy chain 6; minus strand). Cytogenetic location: 14q11.2.
Variant type: single nucleotide variant.
Coding change: c.2230A>G on transcript NM_002471.4 (MANE Select); coding-DNA position 2230, A replaced by G.
Protein change: p.Thr744Ala; replaces threonine 744 with alanine.
Molecular consequence: missense variant.
Genome position (GRCh38, 1-based): chr14:23,396,756, T>C on the plus strand (A>G on the coding strand, the complement: MYH6 is on the minus strand). VCF-style: chr14-23396756-T-C. GRCh37 (hg19) VCF-style: chr14-23865965-T-C.
Other names: short protein forms T744A.
Identifiers: ClinVar variation 2567217 (VCV002567217.4), dbSNP rs1366859659, ClinGen allele CA389016993.